The following is an entry in ClinVar:

ClinVar aggregate classification (germline): Uncertain significance (1 of 4 stars; one submission).

Conditions:
GLRA1-related disorder. Also called: GLRA1-related condition.

Submission:

PreventionGenetics, part of Exact Sciences
Classification: Uncertain significance for GLRA1-related condition. Last evaluated: 2025-01-02. Review status: criteria provided, single submitter. Criteria: ACMG Guidelines, 2015. Collection method: clinical testing. Allele origin: germline.
Comment: The GLRA1 c.719C>A variant is predicted to result in the amino acid substitution p.Ala240Asp. To our knowledge, this variant has not been reported in the literature or in a large population database (gnomAD), indicating this variant is rare. At this time, the clinical significance of this variant is uncertain due to the absence of conclusive functional and genetic evidence.

NM_000171.4(GLRA1):c.719C>A (p.Ala240Asp)

Gene: GLRA1 (glycine receptor alpha 1; minus strand). Cytogenetic location: 5q33.1.
Variant type: single nucleotide variant.
Coding change: c.719C>A on transcript NM_000171.4 (MANE Select); coding-DNA position 719, C replaced by A.
Protein change: p.Ala240Asp; replaces alanine 240 with aspartic acid.
Molecular consequence: missense variant.
Genome position (GRCh38, 1-based): chr5:151,851,583, G>T on the plus strand (C>A on the coding strand, the complement: GLRA1 is on the minus strand). VCF-style: chr5-151851583-G-T. GRCh37 (hg19) VCF-style: chr5-151231144-G-T.
Other names: c.719C>A, p.Ala240Asp (NM_001146040.2); c.470C>A, p.Ala157Asp (NM_001292000.2); short protein forms A240D, A157D.
Identifiers: ClinVar variation 4999168 (VCV004999168.1).